The following is an entry in ClinVar:

ClinVar aggregate classification (germline): Uncertain significance (1 of 4 stars; one submission).

Conditions:
Cardiovascular phenotype. Identifiers: MedGen CN230736.

Submission:

Ambry Genetics
Classification: Uncertain significance for Cardiovascular phenotype. Last evaluated: 2025-07-09. Review status: criteria provided, single submitter. Criteria: Ambry Variant Classification Scheme 2023. Collection method: clinical testing. Allele origin: germline.
Comment: The p.L2860P variant (also known as c.8579T>C), located in coding exon 24 of the TNXB gene, results from a T to C substitution at nucleotide position 8579. The leucine at codon 2860 is replaced by proline, an amino acid with similar properties. This amino acid position is conserved. In addition, the in silico prediction for this alteration is inconclusive. Based on the available evidence, the clinical significance of this variant remains unclear.

NM_001365276.2(TNXB):c.8585T>C (p.Leu2862Pro)

Gene: TNXB (tenascin XB; minus strand). Cytogenetic location: 6p21.33.
Variant type: single nucleotide variant.
Coding change: c.8585T>C on transcript NM_001365276.2 (MANE Select); coding-DNA position 8585, T replaced by C.
Protein change: p.Leu2862Pro; replaces leucine 2862 with proline.
Molecular consequence: missense variant.
Genome position (GRCh38, 1-based): chr6:32,053,594, A>G on the plus strand (T>C on the coding strand, the complement: TNXB is on the minus strand). VCF-style: chr6-32053594-A-G. GRCh37 (hg19) VCF-style: chr6-32021371-A-G.
Other names: c.9326T>C, p.Leu3109Pro (NM_001428335.1); c.8579T>C, p.Leu2860Pro (NM_019105.8); short protein forms L2862P, L2860P, L3109P.
Identifiers: ClinVar variation 4188689 (VCV004188689.1).